The following is an entry in ClinVar:

NM_000277.3(PAH):c.140C>T (p.Ala47Val)

Gene: PAH (phenylalanine hydroxylase; minus strand). Cytogenetic location: 12q23.2.
Variant type: single nucleotide variant.
Coding change: c.140C>T on transcript NM_000277.3 (MANE Select); coding-DNA position 140, C replaced by T.
Protein change: p.Ala47Val; replaces alanine 47 with valine.
Molecular consequence: missense variant.
Genome position (GRCh38, 1-based): chr12:102,912,819, G>A on the plus strand (C>T on the coding strand, the complement: PAH is on the minus strand). VCF-style: chr12-102912819-G-A. GRCh37 (hg19) VCF-style: chr12-103306597-G-A.
Other names: c.140C>T, p.Ala47Val (NM_001354304.2); c.140C>T (NM_000277.2); short protein forms A47V.
Identifiers: ClinVar variation 630 (VCV000000630.11), dbSNP rs118203925, ClinGen allele CA114370.

ClinVar aggregate classification (germline): Likely pathogenic. Review status: reviewed by expert panel (3 of 4 stars). 7 submissions from 7 submitters: Likely pathogenic (1). 6 of the submissions do not count toward it. Last evaluated 2020-05-22.

Conditions:
Hyperphenylalaninemia. Also called: Hyperphenylalaninaemia; Hyperphenylalaninemia (HPA); Hyperphenylalaninemia, non-pku. Identifiers: MedGen C0751435, HP:0004923.
Phenylketonuria (PKU). Also called: Phenylketonuria (PKU); Phenylketonurias; OLIGOPHRENIA PHENYLPYRUVICA; FOLLING DISEASE. Identifiers: Orphanet 716, MedGen C0031485, MONDO:0009861, OMIM 261600. Disease mechanism: loss of function.

Allele frequency attached by ClinVar (database versions not stated): gnomAD 0.00001; gnomAD exomes 0.00001 and below 0.00001; TOPMed below 0.00001.
gnomAD v4.1: 10 of 1,613,108 alleles (0.00062%); highest among the groups gnomAD compares: Non-Finnish European, 0.00085%; no homozygotes.

Submissions (7):

ClinGen PAH Variant Curation Expert Panel
Classification: Likely pathogenic for Phenylketonuria. Last evaluated: 2020-05-22. Review status: reviewed by expert panel. Criteria: ClinGen PAH ACMG Specifications v1. Collection method: curation. Allele origin: germline. Inheritance: Autosomal recessive inheritance.
Comment: The c.140C>T (p.Ala47Val) variant in PAH has been reported in 3 individuals with MHP (BH4 deficiency excluded). (PMID: 24368688, 27121329). This variant has extremely low frequency in gnomAD MAF=0.00001. This variant was detected with pathogenic variants p.E280K (parental analysis not reported), p.Glu178Gly, c.1066-11G>A (segregation analysis done). Computational evidence is conflicting. In summary, this variant meets criteria to be classified as likely pathogenic for PAH. PAH-specific ACMG/AMP criteria applied: PP4_Moderate, PM2, PM3_strong.

Labcorp Genetics (formerly Invitae), Labcorp
Classification: Pathogenic for Phenylketonuria. Last evaluated: 2024-10-22. Review status: criteria provided, single submitter. Criteria: Invitae Variant Classification Sherloc (09022015). Collection method: clinical testing. Allele origin: germline. Not counted in ClinVar's aggregate classification.
Comment: This sequence change replaces alanine, which is neutral and non-polar, with valine, which is neutral and non-polar, at codon 47 of the PAH protein (p.Ala47Val). This variant is present in population databases (rs118203925, gnomAD 0.0009%). This missense change has been observed in individual(s) with PAH-related conditions (PMID: 24368688, 27121329). ClinVar contains an entry for this variant (Variation ID: 630). Invitae Evidence Modeling of protein sequence and biophysical properties (such as structural, functional, and spatial information, amino acid conservation, physicochemical variation, residue mobility, and thermodynamic stability) indicates that this missense variant is not expected to disrupt PAH protein function with a negative predictive value of 80%. Experimental studies have shown that this missense change affects PAH function (PMID: 11161839, 11326337, 17924342, 27121329). For these reasons, this variant has been classified as Pathogenic.

Baylor Genetics
Classification: Pathogenic for Phenylketonuria. Last evaluated: 2024-03-18. Review status: criteria provided, single submitter. Criteria: ACMG Guidelines, 2015. Collection method: clinical testing. Allele origin: unknown. Not counted in ClinVar's aggregate classification.

Natera, Inc.
Classification: Likely pathogenic for Phenylketonuria. Last evaluated: 2024-03-02. Review status: criteria provided, single submitter. Criteria: Natera Variant Classification Schema (03/2026). Collection method: clinical testing. Allele origin: germline. Not counted in ClinVar's aggregate classification.
Comment: The c.140C>T variant in PAH is a missense variant predicted to cause substitution of alanine to valine at amino acid 47. This variant is rare in the general population with a frequency below the threshold expected for the associated phenotype(s). This variant has been observed in one or more individuals affected with the associated recessive disease, as either homozygous or compound heterozygous with a second variant (PMID: 32668217, 27121329). A different variant at the same position has been determined to be Pathogenic or Likely Pathogenic. Computational prediction algorithms indicate this variant is likely to affect gene or protein function. Given the available evidence, this variant is classified as Likely Pathogenic.

Women's Health and Genetics/Laboratory Corporation of America, LabCorp
Classification: Pathogenic for Phenylketonuria. Last evaluated: 2023-08-10. Review status: criteria provided, single submitter. Criteria: LabCorp Variant Classification Summary - May 2015. Collection method: clinical testing. Allele origin: germline. Not counted in ClinVar's aggregate classification.
Comment: Variant summary: PAH c.140C>T (p.Ala47Val) results in a non-conservative amino acid change located in the ACT domain (IPR002912) of the encoded protein sequence. Four of five in-silico tools predict a damaging effect of the variant on protein function. The variant allele was found at a frequency of 4e-06 in 251412 control chromosomes (gnomAD). c.140C>T has been reported in the literature in individuals affected with Phenylalanine Hydroxylase Deficiency (Phenylketonuria) and -mild hyperphenylalaninemia (examples: Aldamiz-Echevarria_2016, Bayat_2016, Ho_2013). These data indicate that the variant is likely to be associated with disease. Experimental studies have shown that this missense change affects PAH function (examples: Gjetting_MGM_2001, Gjetting_AJHG_2001, and Himmelreich_2018). The following publications have been ascertained in the context of this evaluation (PMID: 11161839, 11326337, 30037505, 27121329, 24368688, and 26542770). Two submitters have cited clinical-significance assessments for this variant to ClinVar after 2014. All submitters classified the variant as pathogenic/likely pathogenic. Based on the evidence outlined above, the variant was classified as pathogenic.

OMIM
Classification: Pathogenic for HYPERPHENYLALANINEMIA, NON-PKU. Last evaluated: 1994-05-15. Review status: no assertion criteria provided. Collection method: literature only. Allele origin: germline. Not counted in ClinVar's aggregate classification.

DeBelle Laboratory for Biochemical Genetics, MUHC/MCH RESEARCH INSTITUTE
No classification provided. Review status: no classification provided. Collection method: not provided. Allele origin: not provided. Not counted in ClinVar's aggregate classification.

Literature cited by the submitters: PubMed 24368688 (cited by 3 submitters); PubMed 27121329 (cited by 4 submitters); PubMed 23514811 (cited by ClinGen PAH Variant Curation Expert Panel); PubMed 9634518 (cited by ClinGen PAH Variant Curation Expert Panel); PubMed 11161839 (cited by Labcorp Genetics (formerly Invitae), Labcorp and Women's Health and Genetics/Laboratory Corporation of America, LabCorp); PubMed 11326337 (cited by Labcorp Genetics (formerly Invitae), Labcorp and Women's Health and Genetics/Laboratory Corporation of America, LabCorp); PubMed 17924342 (cited by Labcorp Genetics (formerly Invitae), Labcorp); PubMed 32668217 (cited by Natera, Inc.); PubMed 26542770 (cited by Women's Health and Genetics/Laboratory Corporation of America, LabCorp); PubMed 30037505 (cited by Women's Health and Genetics/Laboratory Corporation of America, LabCorp); PubMed 8088845 (cited by OMIM).